The following is an entry in ClinVar:

ClinVar aggregate classification (germline): Uncertain significance (1 of 4 stars; one submission).

Conditions:
Juvenile polyposis syndrome (JPS). Identifiers: Orphanet 2929, MedGen C0345893, MONDO:0017380, OMIM 174900.

Submission:

Labcorp Genetics (formerly Invitae), Labcorp
Classification: Uncertain significance for Juvenile polyposis syndrome. Last evaluated: 2022-08-16. Review status: criteria provided, single submitter. Criteria: Invitae Variant Classification Sherloc (09022015). Collection method: clinical testing. Allele origin: germline.
Comment: This variant has not been reported in the literature in individuals affected with BMPR1A-related conditions. This variant is not present in population databases (gnomAD no frequency). This sequence change replaces asparagine, which is neutral and polar, with lysine, which is basic and polar, at codon 46 of the BMPR1A protein (p.Asn46Lys). ClinVar contains an entry for this variant (Variation ID: 1436052). In summary, the available evidence is currently insufficient to determine the role of this variant in disease. Therefore, it has been classified as a Variant of Uncertain Significance. Advanced modeling of protein sequence and biophysical properties (such as structural, functional, and spatial information, amino acid conservation, physicochemical variation, residue mobility, and thermodynamic stability) performed at Invitae indicates that this missense variant is not expected to disrupt BMPR1A protein function.

NM_004329.3(BMPR1A):c.138T>G (p.Asn46Lys)

Gene: BMPR1A (bone morphogenetic protein receptor type 1A; plus strand). Cytogenetic location: 10q23.2.
Variant type: single nucleotide variant.
Coding change: c.138T>G on transcript NM_004329.3 (MANE Select); coding-DNA position 138, T replaced by G.
Protein change: p.Asn46Lys; replaces asparagine 46 with lysine.
Molecular consequence: missense variant.
Genome position (GRCh38, 1-based): chr10:86,890,132, T>G. VCF-style: chr10-86890132-T-G. GRCh37 (hg19) VCF-style: chr10-88649889-T-G.
Other names: short protein forms N46K.
Identifiers: ClinVar variation 1436052 (VCV001436052.8), dbSNP rs2133395262, ClinGen allele CA377446625.